The following is an entry in ClinVar:

ClinVar aggregate classification (germline): Conflicting classifications of pathogenicity. Review status: criteria provided, conflicting classifications (1 of 4 stars). 7 submissions from 7 submitters: Uncertain significance (2); Benign (2); Likely benign (2). 1 of the submissions does not count toward it. Last evaluated 2026-01-07.

Conditions:
ANKRD26-related disorder. Also called: ANKRD26-related condition.
Inborn genetic diseases. Identifiers: MedGen C0950123, MeSH D030342.
Thrombocytopenia 2 (THC2). Also called: ANKRD26-Related Thrombocytopenia. Identifiers: Orphanet 268322, MedGen C1861185, MONDO:0008555, OMIM 188000.

Allele frequency attached by ClinVar (database versions not stated): gnomAD 0.00007; ESP Exome Variant Server 0.00008; TOPMed 0.00008; ExAC 0.00011; gnomAD exomes 0.00017.
gnomAD v4.1: 152 of 1,613,686 alleles (0.0094%); highest among the groups gnomAD compares: Non-Finnish European, 0.0032%; no homozygotes.

Submissions (7):

Labcorp Genetics (formerly Invitae), Labcorp
Classification: Benign. Last evaluated: 2026-01-07. Review status: criteria provided, single submitter. Criteria: Invitae Variant Classification Sherloc (09022015). Collection method: clinical testing. Allele origin: germline.

Ambry Genetics
Classification: Uncertain significance for Inborn genetic diseases. Last evaluated: 2024-10-02. Review status: criteria provided, single submitter. Criteria: Ambry Variant Classification Scheme 2023. Collection method: clinical testing. Allele origin: germline.
Comment: The p.R1096W variant (also known as c.3286C>T), located in coding exon 24 of the ANKRD26 gene, results from a C to T substitution at nucleotide position 3286. The arginine at codon 1096 is replaced by tryptophan, an amino acid with dissimilar properties. This amino acid position is conserved. In addition, this alteration is predicted to be tolerated by in silico analysis. Based on the available evidence, the clinical significance of this variant remains unclear.

Blueprint Genetics
Classification: Likely benign. Last evaluated: 2024-10-02. Review status: criteria provided, single submitter. Criteria: ACMG Guidelines, 2015. Collection method: clinical testing. Allele origin: germline.

GeneDx
Classification: Likely benign. Last evaluated: 2020-09-11. Review status: criteria provided, single submitter. Criteria: GeneDx Variant Classification Process June 2021. Collection method: clinical testing. Allele origin: germline. Affected: yes.
Comment: In silico analysis supports that this missense variant has a deleterious effect on protein structure/function; Has not been previously published as pathogenic or benign to our knowledge

Genetic Services Laboratory, University of Chicago
Classification: Uncertain significance. Last evaluated: 2020-01-10. Review status: criteria provided, single submitter. Criteria: ACMG Guidelines, 2015. Collection method: clinical testing. Allele origin: germline. Affected: no.
Comment: DNA sequence analysis of the ANKRD26 gene demonstrated a sequence change, c.3286C>T, in exon 24 that results in an amino acid change, p.Arg1096Trp. This sequence change does not appear to have been previously described in patients with ANKRD26-related disorders and has been described in the gnomAD database with a low population frequency of 0.39% in Ashkenazi Jewish subpopulation (dbSNP rs367849518). The p.Arg1096Trp change affects a moderately conserved amino acid residue located in a domain of the ANKRD26 protein that is not known to be functional. In-silico pathogenicity prediction tools (SIFT, PolyPhen2, Align GVGD, REVEL) provide contradictory results for the p.Arg1096Trp substitution. Due to these contrasting evidences and the lack of functional studies, the clinical significance of the p.Arg1096Trp change remains unknown at this time.

Illumina Laboratory Services, Illumina
Classification: Benign for Thrombocytopenia 2. Last evaluated: 2018-01-12. Review status: criteria provided, single submitter. Criteria: ICSL Variant Classification Criteria 13 December 2019. Collection method: clinical testing. Allele origin: germline.
Comment: This variant was observed in the ICSL laboratory as part of a predisposition screen in an ostensibly healthy population. It had not been previously curated by ICSL or reported in the Human Gene Mutation Database (HGMD: prior to June 1st, 2018), and was therefore a candidate for classification through an automated scoring system. Utilizing variant allele frequency, disease prevalence and penetrance estimates, and inheritance mode, an automated score was calculated to assess if this variant is too frequent to cause the disease. Based on the score and internal cut-off values, a variant classified as benign is not then subjected to further curation. The score for this variant resulted in a classification of benign for this disease.

PreventionGenetics, part of Exact Sciences
Classification: Likely benign for ANKRD26-related condition. Last evaluated: 2019-12-25. Review status: no assertion criteria provided. Collection method: clinical testing. Allele origin: germline. Not counted in ClinVar's aggregate classification.
Comment: This variant is classified as likely benign based on ACMG/AMP sequence variant interpretation guidelines (Richards et al. 2015 PMID: 25741868, with internal and published modifications).

NM_014915.3(ANKRD26):c.3286C>T (p.Arg1096Trp)

Gene: ANKRD26 (ankyrin repeat domain 26; minus strand). Cytogenetic location: 10p12.1.
Variant type: single nucleotide variant.
Coding change: c.3286C>T on transcript NM_014915.3 (MANE Select); coding-DNA position 3286, C replaced by T.
Protein change: p.Arg1096Trp; replaces arginine 1096 with tryptophan.
Molecular consequence: missense variant.
Genome position (GRCh38, 1-based): chr10:27,035,164, G>A on the plus strand (C>T on the coding strand, the complement: ANKRD26 is on the minus strand). VCF-style: chr10-27035164-G-A. GRCh37 (hg19) VCF-style: chr10-27324093-G-A.
Other names: c.3283C>T, p.Arg1095Trp (NM_001256053.2); short protein forms R1096W, R1095W.
Identifiers: ClinVar variation 299736 (VCV000299736.21), dbSNP rs367849518, ClinGen allele CA5448061.
Genomic context (GRCh38, chr10:27,035,164, plus strand): 5'-GATACTTTTGTTCCATTTCCTTCATTTGACACTGTGTTTGGCTTAGGTCCTTTTGTACCC[G>A]TTCTAAACCCAAAGTCTTTTCTCTGAGGGCATCTCTCGTGTGATGGAACTCAATTTCTAG-3'
Protein context (NP_055730.2, residues 1086-1106): ALREKTLGLE[Arg1096Trp]VQKDLSQTQC